The following is an entry in ClinVar:

NM_015425.6(POLR1A):c.2780C>A (p.Pro927Gln)

Genes: POLR1A (RNA polymerase I subunit A; minus strand), LOC126806263 (BRD4-independent group 4 enhancer GRCh37_chr2:86272354-86273553; plus strand). Cytogenetic location: 2p11.2.
Variant type: single nucleotide variant.
Coding change: c.2780C>A on transcript NM_015425.6 (MANE Select); coding-DNA position 2780, C replaced by A.
Protein change: p.Pro927Gln; replaces proline 927 with glutamine.
Molecular consequence: missense variant.
Genome position (GRCh38, 1-based): chr2:86,045,723, G>T on the plus strand (C>A on the coding strand, the complement: POLR1A is on the minus strand). VCF-style: chr2-86045723-G-T. GRCh37 (hg19) VCF-style: chr2-86272846-G-T.
Other names: short protein forms P927Q.
Identifiers: ClinVar variation 1960385 (VCV001960385.5), dbSNP rs377398566, ClinGen allele CA1745955.

ClinVar aggregate classification (germline): Uncertain significance (1 of 4 stars; one submission).

gnomAD v4.1: 17 of 1,609,974 alleles (0.0011%); highest among the groups gnomAD compares: South Asian, 0.0044%; no homozygotes.

Submission:

Labcorp Genetics (formerly Invitae), Labcorp
Classification: Uncertain significance. Last evaluated: 2022-09-27. Review status: criteria provided, single submitter. Criteria: Invitae Variant Classification Sherloc (09022015). Collection method: clinical testing. Allele origin: germline.
Comment: Advanced modeling of protein sequence and biophysical properties (such as structural, functional, and spatial information, amino acid conservation, physicochemical variation, residue mobility, and thermodynamic stability) performed at Invitae indicates that this missense variant is expected to disrupt POLR1A protein function. This sequence change replaces proline, which is neutral and non-polar, with glutamine, which is neutral and polar, at codon 927 of the POLR1A protein (p.Pro927Gln). This variant is present in population databases (rs377398566, gnomAD 0.007%). This variant has not been reported in the literature in individuals affected with POLR1A-related conditions. In summary, the available evidence is currently insufficient to determine the role of this variant in disease. Therefore, it has been classified as a Variant of Uncertain Significance.